The following is an entry in ClinVar:

NM_007194.4(CHEK2):c.696dup (p.Glu233fs)

Gene: CHEK2 (checkpoint kinase 2; minus strand). Cytogenetic location: 22q12.1.
Variant type: Duplication.
Coding change: c.696dup on transcript NM_007194.4 (MANE Select); coding-DNA position 696, one base duplicated (A; older notation c.696dupA).
Protein change: p.Glu233fs; shifts the reading frame from glutamic acid 233.
Molecular consequence: frameshift variant.
Genome position (GRCh38, 1-based): chr22:28,712,005, T duplicated on the plus strand (A on the coding strand, the reverse complement: CHEK2 is on the minus strand). VCF-style (leftmost placement, unchanged base first): chr22-28712004-C-CT. GRCh37 (hg19) VCF-style: chr22-29107992-C-CT.
Other names: c.696dup (NM_007194.3); c.825dup, p.Glu276Argfs (NM_001005735.3); c.33dup, p.Glu12Argfs (NM_001257387.3); c.495dup, p.Glu166Argfs (NM_001349956.3); c.696dup, p.Glu233Argfs (NM_145862.3); short protein forms E12fs, E166fs, E276fs, E233fs.
Identifiers: ClinVar variation 826732 (VCV000826732.19), dbSNP rs1601784008, ClinGen allele CA913189016.
Genomic context (GRCh38, chr22:28,712,004, plus strand): 5'-TGCTGATGATCTTTATGGCTACTTTCTTACATGTTTTCCTCTCGAAAGCCAGCTTTACCT[C>CT]TCCACAGGCACCACTAGAGGGAAAAACAAAGATAGTGATTGTCTGAATGTTTTTAATTAT-3'

ClinVar aggregate classification (germline): Pathogenic/Likely pathogenic. Review status: criteria provided, multiple submitters, no conflicts (2 of 4 stars). 6 submissions from 6 submitters: Pathogenic (5); Likely pathogenic (1). Last evaluated 2023-06-26.

Conditions:
Hereditary cancer-predisposing syndrome. Also called: Neoplastic Syndromes, Hereditary; Tumor predisposition; Hereditary neoplastic syndrome; Hereditary Cancer Syndrome. Identifiers: Orphanet 140162, MedGen C0027672, MeSH D009386, MONDO:0015356.
Familial cancer of breast. Also called: BREAST CANCER, FAMILIAL; Hereditary breast cancer; hereditary breast carcinoma. Identifiers: Orphanet 227535, MedGen C0346153, MONDO:0016419, OMIM 114480. Disease mechanism: loss of function.

Submissions (6):

Myriad Genetics, Inc.
Classification: Pathogenic for Familial cancer of breast. Last evaluated: 2023-06-26. Review status: criteria provided, single submitter. Criteria: Myriad Autosomal Dominant, Autosomal Recessive and X-Linked Classification Criteria (2023). Collection method: clinical testing. Allele origin: unknown.
Comment: This variant is considered pathogenic. This variant creates a frameshift predicted to result in premature protein truncation.

Clinical Genetics Laboratory, Skane University Hospital Lund
Classification: Pathogenic. Last evaluated: 2023-01-09. Review status: criteria provided, single submitter. Criteria: ACMG Guidelines, 2015. Collection method: clinical testing. Allele origin: germline. Affected: yes.

Ambry Genetics
Classification: Pathogenic for Hereditary cancer-predisposing syndrome. Last evaluated: 2022-10-13. Review status: criteria provided, single submitter. Criteria: Ambry Variant Classification Scheme 2023. Collection method: clinical testing. Allele origin: germline.
Comment: The c.696dupA pathogenic mutation, located in coding exon 5 of the CHEK2 gene, results from a duplication of A at nucleotide position 696, causing a translational frameshift with a predicted alternate stop codon (p.E233Rfs*12). This variant is considered to be rare based on population cohorts in the Genome Aggregation Database (gnomAD). This alteration is expected to result in loss of function by premature protein truncation or nonsense-mediated mRNA decay. As such, this alteration is interpreted as a disease-causing mutation.

Baylor Genetics
Classification: Likely pathogenic for Familial cancer of breast. Last evaluated: 2022-09-30. Review status: criteria provided, single submitter. Criteria: ACMG Guidelines, 2015. Collection method: clinical testing. Allele origin: unknown.

Color Diagnostics, LLC DBA Color Health
Classification: Pathogenic for Hereditary cancer-predisposing syndrome. Last evaluated: 2020-01-15. Review status: criteria provided, single submitter. Criteria: ACMG Guidelines, 2015. Collection method: clinical testing. Allele origin: germline.
Comment: This variant inserts 1 nucleotide in exon 6 of the CHEK2 gene, creating a frameshift and premature translation stop signal. This variant is expected to result in an absent or non-functional protein product. This variant has not been identified in the general population by the Genome Aggregation Database (gnomAD). Loss of CHEK2 function is a known mechanism of disease. Based on the available evidence, this variant is classified as Pathogenic.

Labcorp Genetics (formerly Invitae), Labcorp
Classification: Pathogenic for Familial cancer of breast. Last evaluated: 2019-12-11. Review status: criteria provided, single submitter. Criteria: Invitae Variant Classification Sherloc (09022015). Collection method: clinical testing. Allele origin: germline.
Comment: For these reasons, this variant has been classified as Pathogenic. Loss-of-function variants in CHEK2 are known to be pathogenic (PMID: 21876083, 24713400). This variant has not been reported in the literature in individuals with CHEK2-related conditions. This variant is not present in population databases (ExAC no frequency). This sequence change creates a premature translational stop signal (p.Glu233Argfs*12) in the CHEK2 gene. It is expected to result in an absent or disrupted protein product.

Literature cited by the submitters: PubMed 21876083 (cited by Labcorp Genetics (formerly Invitae), Labcorp); PubMed 24713400 (cited by Labcorp Genetics (formerly Invitae), Labcorp).